The following is an entry in ClinVar:

NM_033026.6(PCLO):c.12913A>G (p.Ile4305Val)

Gene: PCLO (piccolo presynaptic cytomatrix protein; minus strand). Cytogenetic location: 7q21.11.
Variant type: single nucleotide variant.
Coding change: c.12913A>G on transcript NM_033026.6 (MANE Select); coding-DNA position 12913, A replaced by G.
Protein change: p.Ile4305Val; replaces isoleucine 4305 with valine.
Molecular consequence: missense variant.
Genome position (GRCh38, 1-based): chr7:82,915,073, T>C on the plus strand (A>G on the coding strand, the complement: PCLO is on the minus strand). VCF-style: chr7-82915073-T-C. GRCh37 (hg19) VCF-style: chr7-82544389-T-C.
Other names: c.12913A>G, p.Ile4305Val (NM_014510.3); c.12913A>G (NM_033026.5); short protein forms I4305V.
Identifiers: ClinVar variation 3604138 (VCV003604138.2).
Genomic context (GRCh38, chr7:82,915,073, plus strand): 5'-CTAGAGCTTCAGCCTCTTGAGCTTTCAGTCTTAGGGAAGAGCTAGAAGAATCCCTTTTAA[T>C]TGATAAATCAAGCCCATAGACAGAGGAAGGTCTGGAGGAAGGTCTGGACCTGCTGCCACT-3'
Protein context (NP_149015.2, residues 4295-4315): PSSVYGLDLS[Ile4305Val]KRDSSSSSLR

ClinVar aggregate classification (germline): Uncertain significance. Review status: criteria provided, multiple submitters, no conflicts (2 of 4 stars). 2 submissions from 2 submitters: Uncertain significance (2). Last evaluated 2025-04-08.

Conditions:
Inborn genetic diseases. Identifiers: MedGen C0950123, MeSH D030342.

gnomAD v4.1: 18 of 1,609,618 alleles (0.0011%); highest among the groups gnomAD compares: Admixed American, 0.0034%; no homozygotes.

Submissions (2):

Ambry Genetics
Classification: Uncertain significance for Inborn genetic diseases. Last evaluated: 2025-04-08. Review status: criteria provided, single submitter. Criteria: Ambry Variant Classification Scheme 2023. Collection method: clinical testing. Allele origin: germline.

Labcorp Genetics (formerly Invitae), Labcorp
Classification: Uncertain significance. Last evaluated: 2024-11-05. Review status: criteria provided, single submitter. Criteria: Invitae Variant Classification Sherloc (09022015). Collection method: clinical testing. Allele origin: germline.
Comment: This sequence change replaces isoleucine, which is neutral and non-polar, with valine, which is neutral and non-polar, at codon 4305 of the PCLO protein (p.Ile4305Val). This variant is present in population databases (rs778708214, gnomAD 0.006%). This variant has not been reported in the literature in individuals affected with PCLO-related conditions. Experimental studies and prediction algorithms are not available or were not evaluated, and the functional significance of this variant is currently unknown. In summary, the available evidence is currently insufficient to determine the role of this variant in disease. Therefore, it has been classified as a Variant of Uncertain Significance.